The following is an entry in ClinVar:

ClinVar aggregate classification (germline): Uncertain significance. Review status: criteria provided, multiple submitters, no conflicts (2 of 4 stars). 2 submissions from 2 submitters: Uncertain significance (2). Last evaluated 2024-07-02.

Conditions:
Inborn genetic diseases. Identifiers: MedGen C0950123, MeSH D030342.

Allele frequency attached by ClinVar (database versions not stated): gnomAD exomes 0.00001 and 0.00004; ExAC 0.00002; TOPMed 0.00002.

Submissions (2):

Ambry Genetics
Classification: Uncertain significance for Inborn genetic diseases. Last evaluated: 2024-07-02. Review status: criteria provided, single submitter. Criteria: Ambry Variant Classification Scheme 2023. Collection method: clinical testing. Allele origin: germline.

Labcorp Genetics (formerly Invitae), Labcorp
Classification: Uncertain significance. Last evaluated: 2022-09-27. Review status: criteria provided, single submitter. Criteria: Invitae Variant Classification Sherloc (09022015). Collection method: clinical testing. Allele origin: germline.
Comment: This variant has not been reported in the literature in individuals affected with TSPAN12-related conditions. In summary, the available evidence is currently insufficient to determine the role of this variant in disease. Therefore, it has been classified as a Variant of Uncertain Significance. Advanced modeling of protein sequence and biophysical properties (such as structural, functional, and spatial information, amino acid conservation, physicochemical variation, residue mobility, and thermodynamic stability) performed at Invitae indicates that this missense variant is not expected to disrupt TSPAN12 protein function. ClinVar contains an entry for this variant (Variation ID: 1043502). This variant is present in population databases (rs749945324, gnomAD 0.007%). This sequence change replaces methionine, which is neutral and non-polar, with isoleucine, which is neutral and non-polar, at codon 210 of the TSPAN12 protein (p.Met210Ile).

NM_012338.4(TSPAN12):c.630G>A (p.Met210Ile)

Gene: TSPAN12 (tetraspanin 12; minus strand). Cytogenetic location: 7q31.31.
Variant type: single nucleotide variant.
Coding change: c.630G>A on transcript NM_012338.4 (MANE Select); coding-DNA position 630, G replaced by A.
Protein change: p.Met210Ile; replaces methionine 210 with isoleucine.
Molecular consequence: missense variant.
Genome position (GRCh38, 1-based): chr7:120,788,880, C>T on the plus strand (G>A on the coding strand, the complement: TSPAN12 is on the minus strand). VCF-style: chr7-120788880-C-T. GRCh37 (hg19) VCF-style: chr7-120428934-C-T.
Other names: c.630G>A (NM_012338.3); short protein forms M210I.
Identifiers: ClinVar variation 1043502 (VCV001043502.9), dbSNP rs749945324, ClinGen allele CA4453830.